The following is an entry in ClinVar:

ClinVar aggregate classification (germline): Uncertain significance (1 of 4 stars; one submission).

Conditions:
Ehlers-Danlos syndrome, kyphoscoliotic type, 2. Also called: FKBP14-Kyphoscoliotic Ehlers-Danlos Syndrome; Ehlers-Danlos syndrome with progressive kyphoscoliosis, myopathy, and hearing loss; Ehlers-Danlos syndrome, kyphoscoliotic and deafness type. Identifiers: Orphanet 300179, MedGen C3281160, MONDO:0013800, OMIM 614557.

Allele frequency attached by ClinVar (database versions not stated): gnomAD exomes below 0.00001.
gnomAD v4.1: 1 of 1,603,200 alleles (0.000062%); highest among the groups gnomAD compares: Admixed American, 0.0017%; no homozygotes.

Submission:

Labcorp Genetics (formerly Invitae), Labcorp
Classification: Uncertain significance for Ehlers-Danlos syndrome, kyphoscoliotic type, 2. Last evaluated: 2022-05-31. Review status: criteria provided, single submitter. Criteria: Invitae Variant Classification Sherloc (09022015). Collection method: clinical testing. Allele origin: germline.
Comment: This sequence change replaces serine, which is neutral and polar, with phenylalanine, which is neutral and non-polar, at codon 65 of the FKBP14 protein (p.Ser65Phe). This variant is present in population databases (no rsID available, gnomAD 0.003%). This variant has not been reported in the literature in individuals affected with FKBP14-related conditions. Algorithms developed to predict the effect of missense changes on protein structure and function (SIFT, PolyPhen-2, Align-GVGD) all suggest that this variant is likely to be disruptive. In summary, the available evidence is currently insufficient to determine the role of this variant in disease. Therefore, it has been classified as a Variant of Uncertain Significance.

NM_017946.4(FKBP14):c.194C>T (p.Ser65Phe)

Genes: FKBP14 (FKBP prolyl isomerase 14; minus strand), FKBP14-AS1 (FKBP14 antisense RNA 1; plus strand). Cytogenetic location: 7p14.3.
Variant type: single nucleotide variant.
Coding change: c.194C>T on transcript NM_017946.4 (MANE Select); coding-DNA position 194, C replaced by T.
Protein change: p.Ser65Phe; replaces serine 65 with phenylalanine.
Molecular consequence: missense variant. On other transcripts: non-coding transcript variant (2).
Genome position (GRCh38, 1-based): chr7:30,026,315, G>A on the plus strand (C>T on the coding strand, the complement: FKBP14 is on the minus strand). VCF-style: chr7-30026315-G-A. GRCh37 (hg19) VCF-style: chr7-30065931-G-A.
Other names: short protein forms S65F.
Identifiers: ClinVar variation 2001277 (VCV002001277.4), dbSNP rs1446311467, ClinGen allele CA367117692.